The following is an entry in ClinVar:

NM_005228.5(EGFR):c.2702-3C>T

Gene: EGFR (epidermal growth factor receptor; plus strand). Cytogenetic location: 7p11.2.
Variant type: single nucleotide variant.
Coding change: c.2702-3C>T on transcript NM_005228.5 (MANE Select); 3 bases into the intron before coding-DNA position 2702, C replaced by T.
Molecular consequence: intron variant.
Genome position (GRCh38, 1-based): chr7:55,198,714, C>T. VCF-style: chr7-55198714-C-T. GRCh37 (hg19) VCF-style: chr7-55266407-C-T.
Other names: c.2567-3C>T (NM_001346899.2, NM_001346897.2); c.1901-3C>T (NM_001346941.2); c.2702-3C>T (NM_001346898.2); c.2543-3C>T (NM_001346900.2).
Identifiers: ClinVar variation 1968725 (VCV001968725.5), dbSNP rs757467886, ClinGen allele CA4266165.

ClinVar aggregate classification (germline): Uncertain significance (1 of 4 stars; one submission).

Conditions:
EGFR-related lung cancer (EGFR). Identifiers: MedGen CN130014.

Allele frequency attached by ClinVar (database versions not stated): ExAC 0.00001.
gnomAD v4.1: 1 of 1,614,220 alleles (0.000062%); highest among the groups gnomAD compares: Admixed American, 0.0017%; no homozygotes.

Submission:

Labcorp Genetics (formerly Invitae), Labcorp
Classification: Uncertain significance for EGFR-related lung cancer. Last evaluated: 2022-02-21. Review status: criteria provided, single submitter. Criteria: Invitae Variant Classification Sherloc (09022015). Collection method: clinical testing. Allele origin: germline.
Comment: This sequence change falls in intron 22 of the EGFR gene. It does not directly change the encoded amino acid sequence of the EGFR protein. It affects a nucleotide within the consensus splice site. This variant is present in population databases (rs757467886, gnomAD 0.003%). This variant has not been reported in the literature in individuals affected with EGFR-related conditions. Variants that disrupt the consensus splice site are a relatively common cause of aberrant splicing (PMID: 17576681, 9536098). Algorithms developed to predict the effect of sequence changes on RNA splicing suggest that this variant is not likely to affect RNA splicing. In summary, the available evidence is currently insufficient to determine the role of this variant in disease. Therefore, it has been classified as a Variant of Uncertain Significance.

Literature cited by the submitters: PubMed 17576681; PubMed 9536098.